The following is an entry in ClinVar:

NM_001283009.2(RTEL1):c.1406G>T (p.Arg469Leu)

Genes: RTEL1 (regulator of telomere elongation helicase 1; plus strand), RTEL1-TNFRSF6B (RTEL1-TNFRSF6B readthrough (NMD candidate); plus strand). Cytogenetic location: 20q13.33.
Variant type: single nucleotide variant.
Coding change: c.1406G>T on transcript NM_001283009.2 (MANE Select); coding-DNA position 1406, G replaced by T.
Protein change: p.Arg469Leu; replaces arginine 469 with leucine.
Molecular consequence: missense variant. On other transcripts: non-coding transcript variant (1).
Genome position (GRCh38, 1-based): chr20:63,687,695, G>T. VCF-style: chr20-63687695-G-T. GRCh37 (hg19) VCF-style: chr20-62319048-G-T.
Other names: c.737G>T, p.Arg246Leu (NM_001283010.1); c.1406G>T, p.Arg469Leu (NM_016434.4); c.1478G>T, p.Arg493Leu (NM_032957.5); c.1478G>T (NM_032957.4); short protein forms R493L, R469L, R246L.
Identifiers: ClinVar variation 1511091 (VCV001511091.7), dbSNP rs779627326, ClinGen allele CA9964788.

ClinVar aggregate classification (germline): Uncertain significance. Review status: criteria provided, multiple submitters, no conflicts (2 of 4 stars). 2 submissions from 2 submitters: Uncertain significance (2). Last evaluated 2025-06-29.

Conditions:
Dyskeratosis congenita, autosomal recessive 5 (DKCB5). Identifiers: MedGen C3554656, MONDO:0014076, OMIM 615190.
Pulmonary fibrosis and/or bone marrow failure, Telomere-related, 3. Also called: PULMONARY FIBROSIS AND/OR BONE MARROW FAILURE SYNDROME, TELOMERE-RELATED, 3. Identifiers: Orphanet 2032, MedGen C4225346, MONDO:0014613, OMIM 616373.
Inborn genetic diseases. Identifiers: MedGen C0950123, MeSH D030342.

gnomAD v4.1: 13 of 1,607,310 alleles (0.00081%); highest among the groups gnomAD compares: South Asian, 0.0033%; no homozygotes.

Submissions (2):

Labcorp Genetics (formerly Invitae), Labcorp
Classification: Uncertain significance for Dyskeratosis congenita, autosomal recessive 5; Pulmonary fibrosis and/or bone marrow failure, Telomere-related, 3. Last evaluated: 2025-06-29. Review status: criteria provided, single submitter. Criteria: Invitae Variant Classification Sherloc (09022015). Collection method: clinical testing. Allele origin: germline.
Comment: This sequence change replaces arginine, which is basic and polar, with leucine, which is neutral and non-polar, at codon 469 of the RTEL1 protein (p.Arg469Leu). The frequency data for this variant in the population databases is considered unreliable, as metrics indicate poor data quality at this position in the gnomAD database. This variant has not been reported in the literature in individuals affected with RTEL1-related conditions. ClinVar contains an entry for this variant (Variation ID: 1511091). An algorithm developed to predict the effect of missense changes on protein structure and function (PolyPhen-2) suggests that this variant is likely to be tolerated. In summary, the available evidence is currently insufficient to determine the role of this variant in disease. Therefore, it has been classified as a Variant of Uncertain Significance.

Ambry Genetics
Classification: Uncertain significance for Inborn genetic diseases. Last evaluated: 2024-07-02. Review status: criteria provided, single submitter. Criteria: Ambry Variant Classification Scheme 2023. Collection method: clinical testing. Allele origin: germline.